The following is an entry in ClinVar:

NM_016219.5(MAN1B1):c.586C>T (p.Arg196Cys)

Gene: MAN1B1 (mannosidase alpha class 1B member 1; plus strand). Cytogenetic location: 9q34.3.
Variant type: single nucleotide variant.
Coding change: c.586C>T on transcript NM_016219.5 (MANE Select); coding-DNA position 586, C replaced by T.
Protein change: p.Arg196Cys; replaces arginine 196 with cysteine.
Molecular consequence: missense variant. On other transcripts: non-coding transcript variant (2).
Genome position (GRCh38, 1-based): chr9:137,096,357, C>T. VCF-style: chr9-137096357-C-T. GRCh37 (hg19) VCF-style: chr9-139990809-C-T.
Other names: short protein forms R196C.
Identifiers: ClinVar variation 129572 (VCV000129572.18), dbSNP rs373430024, ClinGen allele CA231276.

ClinVar aggregate classification (germline): Uncertain significance. Review status: criteria provided, multiple submitters, no conflicts (2 of 4 stars). 5 submissions from 5 submitters: Uncertain significance (5). Last evaluated 2025-09-01.

Conditions:
Inborn genetic diseases. Identifiers: MedGen C0950123, MeSH D030342.
Rafiq syndrome (RAFQS). Identifiers: Orphanet 88616, MedGen C3280127, MONDO:0013624, OMIM 614202.

Allele frequency attached by ClinVar (database versions not stated): ESP Exome Variant Server 0.00008; TOPMed 0.00010; ExAC 0.00011; gnomAD 0.00011; gnomAD exomes 0.00011 and 0.00013; 1000 Genomes Project 30x 0.00016; 1000 Genomes Project 0.00020.
gnomAD v4.1: 177 of 1,613,872 alleles (0.011%); highest among the groups gnomAD compares: Non-Finnish European, 0.014%; no homozygotes.

Submissions (5):

Ambry Genetics
Classification: Uncertain significance for Inborn genetic diseases. Last evaluated: 2025-09-01. Review status: criteria provided, single submitter. Criteria: Ambry Variant Classification Scheme 2023. Collection method: clinical testing. Allele origin: germline.

Labcorp Genetics (formerly Invitae), Labcorp
Classification: Uncertain significance for Rafiq syndrome. Last evaluated: 2022-03-08. Review status: criteria provided, single submitter. Criteria: Invitae Variant Classification Sherloc (09022015). Collection method: clinical testing. Allele origin: germline.
Comment: This sequence change replaces arginine, which is basic and polar, with cysteine, which is neutral and slightly polar, at codon 196 of the MAN1B1 protein (p.Arg196Cys). This variant is present in population databases (rs373430024, gnomAD 0.02%). This variant has not been reported in the literature in individuals affected with MAN1B1-related conditions. ClinVar contains an entry for this variant (Variation ID: 129572). Algorithms developed to predict the effect of missense changes on protein structure and function are either unavailable or do not agree on the potential impact of this missense change (SIFT: "Tolerated"; PolyPhen-2: "Possibly Damaging"; Align-GVGD: "Class C0"). In summary, the available evidence is currently insufficient to determine the role of this variant in disease. Therefore, it has been classified as a Variant of Uncertain Significance.

New York Genome Center
Classification: Uncertain significance for Rafiq syndrome. Last evaluated: 2020-04-13. Review status: criteria provided, single submitter. Criteria: NYGC Assertion Criteria 2020. Collection method: clinical testing. Allele origin: germline. Observed: 1 heterozygote. Study: CSER-NYCKidSeq.

Illumina Laboratory Services, Illumina
Classification: Uncertain significance for Rafiq syndrome. Last evaluated: 2018-01-12. Review status: criteria provided, single submitter. Criteria: ICSL Variant Classification Criteria 13 December 2019. Collection method: clinical testing. Allele origin: germline.

Genetic Services Laboratory, University of Chicago
Classification: Uncertain significance. Last evaluated: 2013-04-01. Review status: criteria provided, single submitter. Criteria: ACMG Guidelines, 2007. Collection method: clinical testing. Allele origin: germline. Inheritance: Autosomal recessive inheritance.